The following is an entry in ClinVar:

NM_014321.4(ORC6):c.440C>G (p.Ser147Ter)

Gene: ORC6 (origin recognition complex subunit 6; plus strand). Cytogenetic location: 16q11.2.
Variant type: single nucleotide variant.
Coding change: c.440C>G on transcript NM_014321.4 (MANE Select); coding-DNA position 440, C replaced by G.
Protein change: p.Ser147Ter; replaces serine 147 with a stop codon.
Molecular consequence: nonsense. On other transcripts: non-coding transcript variant (1).
Genome position (GRCh38, 1-based): chr16:46,693,173, C>G. VCF-style: chr16-46693173-C-G. GRCh37 (hg19) VCF-style: chr16-46727085-C-G.
Other names: short protein forms S147*.
Identifiers: ClinVar variation 4804790 (VCV004804790.1).
Genomic context (GRCh38, chr16:46,693,173, plus strand): 5'-AGACACAGCAAGTGGATCTTGACTTATCCAGGCCACTTTTCACTTCTGCTGCACTGCTTT[C>G]AGCATGCAAGTAGGTATTTCATTAAACATTCAGAAAAGTTACCAATTTACAAGTGGGTTT-3'

ClinVar aggregate classification (germline): Pathogenic (1 of 4 stars; one submission).

Submission:

Labcorp Genetics (formerly Invitae), Labcorp
Classification: Pathogenic. Last evaluated: 2025-06-04. Review status: criteria provided, single submitter. Criteria: Invitae Variant Classification Sherloc (09022015). Collection method: clinical testing. Allele origin: germline.
Comment: This sequence change creates a premature translational stop signal (p.Ser147*) in the ORC6 gene. It is expected to result in an absent or disrupted protein product. Loss-of-function variants in ORC6 are known to be pathogenic (PMID: 21358632, 25691413). This variant is not present in population databases (gnomAD no frequency). This variant has not been reported in the literature in individuals affected with ORC6-related conditions. Algorithms developed to predict the effect of sequence changes on RNA splicing suggest that this variant may disrupt the consensus splice site. For these reasons, this variant has been classified as Pathogenic.

Literature cited by the submitters: PubMed 21358632; PubMed 25691413.